The following is an entry in ClinVar:

NM_017617.5(NOTCH1):c.3544GAG[1] (p.Glu1183del)

Gene: NOTCH1 (notch receptor 1; minus strand). Cytogenetic location: 9q34.3.
Variant type: Microsatellite.
Coding change: c.3544GAG[1] on transcript NM_017617.5 (MANE Select); one copy of the 3-base unit GAG starting at c.3544; the reference has two copies in a row; one copy, 3 bases deleted.
Protein change: p.Glu1183del; deletes glutamic acid 1183.
Molecular consequence: inframe deletion.
Genome position (GRCh38, 1-based): chr9:136,507,399-136,507,401, CTC deleted on the plus strand (GAG on the coding strand, the reverse complement: NOTCH1 is on the minus strand); deleting any 3 consecutive bases within chr9:136,507,399-136,507,404 gives the same sequence; the position shown is the placement nearest the transcript's 3' end. VCF-style (leftmost placement, unchanged base first): chr9-136507398-TCTC-T. GRCh37 (hg19) VCF-style: chr9-139401850-TCTC-T.
Other names: short protein forms E1183del.
Identifiers: ClinVar variation 1008845 (VCV001008845.8), dbSNP rs1370411882, ClinGen allele CA591174840.

ClinVar aggregate classification (germline): Uncertain significance (1 of 4 stars; one submission).

Conditions:
Adams-Oliver syndrome 5 (AOS5). Identifiers: Orphanet 974, MedGen C4014970, MONDO:0014459, OMIM 616028.

Submission:

Labcorp Genetics (formerly Invitae), Labcorp
Classification: Uncertain significance for Adams-Oliver syndrome 5. Last evaluated: 2020-07-30. Review status: criteria provided, single submitter. Criteria: Invitae Variant Classification Sherloc (09022015). Collection method: clinical testing. Allele origin: germline.
Comment: In summary, the available evidence is currently insufficient to determine the role of this variant in disease. Therefore, it has been classified as a Variant of Uncertain Significance. Experimental studies and prediction algorithms are not available or were not evaluated, and the functional significance of this variant is currently unknown. This variant has not been reported in the literature in individuals with NOTCH1-related conditions. This variant is not present in population databases (ExAC no frequency). This variant, c.3547_3549del, results in the deletion of 1 amino acid(s) of the NOTCH1 protein (p.Glu1183del), but otherwise preserves the integrity of the reading frame.